The following is an entry in ClinVar:

ClinVar aggregate classification (germline): Pathogenic/Likely pathogenic. Review status: criteria provided, multiple submitters, no conflicts (2 of 4 stars). 2 submissions from 2 submitters: Pathogenic (1); Likely pathogenic (1). Last evaluated 2026-09-04.

Conditions:
Heimler syndrome 2 (HMLR2). Also called: PEROXISOME BIOGENESIS DISORDER 4C. Identifiers: Orphanet 3220, MedGen C4225267, OMIM 616617, MONDO:0014709.
Peroxisome biogenesis disorder 4A (Zellweger) (PBD4A). Also called: Zellweger syndrome spectrum (PEX6-related). Identifiers: Orphanet 912, MedGen C3553936, MONDO:0013930, OMIM 614862. Disease mechanism: loss of function.
Peroxisome biogenesis disorder 4B (PBD4B). Also called: SPINOCEREBELLAR ATAXIA WITH BLINDNESS AND DEAFNESS 1. Identifiers: Orphanet 44, Orphanet 95433, MedGen C3553937, MONDO:0013931, OMIM 614863.
Peroxisome biogenesis disorder. Identifiers: Orphanet 79189, MedGen C1832200, MONDO:0019234. Disease mechanism: loss of function.

Submissions (2):

Myriad Genetics, Inc.
Classification: Pathogenic for Peroxisome biogenesis disorder. Last evaluated: 2026-09-04. Review status: criteria provided, single submitter. Criteria: Myriad Autosomal Dominant, Autosomal Recessive and X-Linked Classification Criteria (2023). Collection method: clinical testing. Allele origin: unknown.
Comment: NM_000287.3(PEX6):c.1229_1232delACATinsGA(Y410*) is a nonsense variant classified as pathogenic in the context of peroxisome biogenesis disorder type 4. Y410* has not been observed in cases with relevant disease. Relevant functional assessments of this variant are not available in the literature. Y410* has not been observed in referenced population frequency databases. In summary, NM_000287.3(PEX6):c.1229_1232delACATinsGA(Y410*) is a nonsense variant in a gene where loss of function is a known mechanism of disease and is predicted to disrupt protein function. Please note: this variant was assessed in the context of healthy population screening.

Fulgent Genetics
Classification: Likely pathogenic for Peroxisome biogenesis disorder 4A (Zellweger); Peroxisome biogenesis disorder 4B; Heimler syndrome 2. Last evaluated: 2024-01-19. Review status: criteria provided, single submitter. Criteria: ACMG Guidelines, 2015. Collection method: clinical testing. Allele origin: germline.

NM_000287.4(PEX6):c.1229_1232delinsGA (p.Tyr410_Met411delinsTer)

Gene: PEX6 (peroxisomal biogenesis factor 6; minus strand). Cytogenetic location: 6p21.1.
Variant type: Indel.
Coding change: c.1229_1232delinsGA on transcript NM_000287.4 (MANE Select); coding-DNA positions 1229 to 1232, ACAT replaced by GA.
Protein change: p.Tyr410_Met411delinsTer.
Molecular consequence: nonsense. On other transcripts: non-coding transcript variant (1).
Genome position (GRCh38, 1-based): chr6:42,969,886-42,969,889, ATGT replaced by TC on the plus strand (ACAT replaced by GA on the coding strand, the reverse complement: PEX6 is on the minus strand). VCF-style: chr6-42969886-ATGT-TC. GRCh37 (hg19) VCF-style: chr6-42937624-ATGT-TC.
Other names: c.965_968delinsGA, p.Tyr322_Met323delinsTer (NM_001316313.2).
Identifiers: ClinVar variation 3593614 (VCV003593614.2).